The following is an entry in ClinVar:

NM_001122659.3(EDNRB):c.1173_1174del (p.Arg392fs)

Genes: EDNRB (endothelin receptor type B; minus strand), EDNRB-AS1 (EDNRB antisense RNA 1; plus strand). Cytogenetic location: 13q22.3.
Variant type: Deletion.
Coding change: c.1173_1174del on transcript NM_001122659.3 (MANE Select); coding-DNA positions 1173 to 1174, 2 bases deleted (AA; older notation c.1173_1174delAA).
Protein change: p.Arg392fs; shifts the reading frame from arginine 392.
Molecular consequence: frameshift variant.
Genome position (GRCh38, 1-based): chr13:77,899,879-77,899,880, TT deleted on the plus strand (AA on the coding strand, the reverse complement: EDNRB is on the minus strand); deleting any 2 consecutive bases within chr13:77,899,879-77,899,882 gives the same sequence; the c. name uses the placement nearest the transcript's 3' end. VCF-style (leftmost placement, unchanged base first): chr13-77899878-CTT-C. GRCh37 (hg19) VCF-style: chr13-78474013-CTT-C.
Other names: c.1173_1174del, p.Arg392fs (NM_000115.5, NM_003991.4); c.1443_1444del, p.Arg482fs (NM_001201397.2); short protein forms R392fs, R482fs.
Identifiers: ClinVar variation 5017029 (VCV005017029.1).

ClinVar aggregate classification (germline): Uncertain significance (1 of 4 stars; one submission).

Submission:

GeneDx
Classification: Uncertain significance. Last evaluated: 2026-03-25. Review status: criteria provided, single submitter. Criteria: GeneDx Variant Classification Process June 2021. Collection method: clinical testing. Allele origin: germline.
Comment: Frameshift variant predicted to result in abnormal protein length as the last 51 amino acid(s) are replaced with 5 different amino acid(s); Not observed at significant frequency in large population cohorts (gnomAD); Has not been previously published as pathogenic or benign to our knowledge